The following is an entry in ClinVar:

ClinVar aggregate classification (germline): Uncertain significance. Review status: criteria provided, multiple submitters, no conflicts (2 of 4 stars). 2 submissions from 2 submitters: Uncertain significance (2). Last evaluated 2026-03-11.

Conditions:
Muscular dystrophy-dystroglycanopathy (congenital with brain and eye anomalies), type a, 11 (MDDGA11). Also called: Congenital muscular dystrophy-dystroglycanopathy with brain and eye anomalies, type A11; WALKER-WARBURG SYNDROME OR MUSCLE-EYE-BRAIN DISEASE, B3GALNT2-RELATED; Muscular dystrophy-dystroglycanopathy (congenital with brain and eye anomalies, type A, 11. Identifiers: Orphanet 588, Orphanet 899, MedGen C3554638, MONDO:0014071, OMIM 615181.

Allele frequency attached by ClinVar (database versions not stated): gnomAD exomes below 0.00001; TOPMed 0.00002.
gnomAD v4.1: 1 of 1,613,978 alleles (0.000062%); highest among the groups gnomAD compares: Admixed American, 0.0017%; no homozygotes.

Submissions (2):

GeneDx
Classification: Uncertain significance. Last evaluated: 2026-03-11. Review status: criteria provided, single submitter. Criteria: GeneDx Variant Classification Process June 2021. Collection method: clinical testing. Allele origin: germline.
Comment: Not observed at significant frequency in large population cohorts (gnomAD); In silico analysis supports that this missense variant has a deleterious effect on protein structure/function; Has not been previously published as pathogenic or benign to our knowledge

Labcorp Genetics (formerly Invitae), Labcorp
Classification: Uncertain significance for Muscular dystrophy-dystroglycanopathy (congenital with brain and eye anomalies), type a, 11. Last evaluated: 2022-02-05. Review status: criteria provided, single submitter. Criteria: Invitae Variant Classification Sherloc (09022015). Collection method: clinical testing. Allele origin: germline.
Comment: This variant is present in population databases (no rsID available, gnomAD 0.003%). In summary, the available evidence is currently insufficient to determine the role of this variant in disease. Therefore, it has been classified as a Variant of Uncertain Significance. Algorithms developed to predict the effect of missense changes on protein structure and function are either unavailable or do not agree on the potential impact of this missense change (SIFT: "Deleterious"; PolyPhen-2: "Probably Damaging"; Align-GVGD: "Class C0"). This variant has not been reported in the literature in individuals affected with B3GALNT2-related conditions. This sequence change replaces proline, which is neutral and non-polar, with arginine, which is basic and polar, at codon 102 of the B3GALNT2 protein (p.Pro102Arg).

NM_152490.5(B3GALNT2):c.305C>G (p.Pro102Arg)

Gene: B3GALNT2 (beta-1,3-N-acetylgalactosaminyltransferase 2; minus strand). Cytogenetic location: 1q42.3.
Variant type: single nucleotide variant.
Coding change: c.305C>G on transcript NM_152490.5 (MANE Select); coding-DNA position 305, C replaced by G.
Protein change: p.Pro102Arg; replaces proline 102 with arginine.
Molecular consequence: missense variant.
Genome position (GRCh38, 1-based): chr1:235,489,224, G>C on the plus strand (C>G on the coding strand, the complement: B3GALNT2 is on the minus strand). VCF-style: chr1-235489224-G-C. GRCh37 (hg19) VCF-style: chr1-235652529-G-C.
Other names: c.428C>G, p.Pro143Arg (NM_001277155.3); c.305C>G (NM_152490.2); short protein forms P102R, P143R.
Identifiers: ClinVar variation 1966782 (VCV001966782.5), dbSNP rs1282657724, ClinGen allele CA344928499.